The following is an entry in ClinVar:

ClinVar aggregate classification (germline): Uncertain significance. Review status: criteria provided, multiple submitters, no conflicts (2 of 4 stars). 8 submissions from 8 submitters: Uncertain significance (8). Last evaluated 2026-01-13.

Conditions:
Hereditary nonpolyposis colorectal neoplasms. Identifiers: MedGen C0009405, MeSH D003123.
Hereditary cancer-predisposing syndrome. Also called: Hereditary Cancer Syndrome; Neoplastic Syndromes, Hereditary; Tumor predisposition; Hereditary neoplastic syndrome. Identifiers: Orphanet 140162, MedGen C0027672, MeSH D009386, MONDO:0015356.
Lynch syndrome 4 (LYNCH4). Also called: Colorectal cancer, hereditary nonpolyposis, type 4; Hereditary non-polyposis colorectal cancer, type 4. Identifiers: Orphanet 144, MedGen C1838333, MONDO:0013699, OMIM 614337. Disease mechanism: loss of function.

Allele frequency attached by ClinVar (database versions not stated): gnomAD 0.00001; gnomAD exomes 0.00001; TOPMed 0.00001; ExAC 0.00002.
gnomAD v4.1: 15 of 1,567,614 alleles (0.00096%); highest among the groups gnomAD compares: Non-Finnish European, 0.0012%; no homozygotes.

Submissions (8):

Labcorp Genetics (formerly Invitae), Labcorp
Classification: Uncertain significance for Hereditary nonpolyposis colorectal neoplasms. Last evaluated: 2026-01-13. Review status: criteria provided, single submitter. Criteria: Invitae Variant Classification Sherloc (09022015). Collection method: clinical testing. Allele origin: germline.
Comment: This sequence change replaces leucine, which is neutral and non-polar, with valine, which is neutral and non-polar, at codon 305 of the PMS2 protein (p.Leu305Val). This variant is present in population databases (rs750420143, gnomAD 0.002%). This missense change has been observed in individual(s) with breast cancer (PMID: 26689913). ClinVar contains an entry for this variant (Variation ID: 480299). Invitae Evidence Modeling incorporating data from in vitro experimental studies (internal data) indicates that this missense variant is not expected to disrupt PMS2 function with a negative predictive value of 95%. In summary, the available evidence is currently insufficient to determine the role of this variant in disease. Therefore, it has been classified as a Variant of Uncertain Significance.

Color Diagnostics, LLC DBA Color Health
Classification: Uncertain significance for Hereditary cancer-predisposing syndrome. Last evaluated: 2025-10-13. Review status: criteria provided, single submitter. Criteria: ACMG Guidelines, 2015. Collection method: clinical testing. Allele origin: germline.
Comment: This missense variant replaces leucine with valine at codon 305 of the PMS2 protein. Computational prediction suggests that this variant may not impact protein structure and function. To our knowledge, functional studies have not been reported for this variant. This variant has not been reported in individuals affected with PMS2-related disorders in the literature. This variant has been identified in 15/1567614 chromosomes in the general population by the Genome Aggregation Database (gnomAD). The available evidence is insufficient to determine the role of this variant in disease conclusively. Therefore, this variant is classified as a Variant of Uncertain Significance.

Center for Genomic Medicine, Rigshospitalet, Copenhagen University Hospital
Classification: Uncertain significance. Last evaluated: 2025-03-04. Review status: criteria provided, single submitter. Criteria: ACMG Guidelines, 2015. Collection method: clinical testing. Allele origin: germline.

Ambry Genetics
Classification: Uncertain significance for Hereditary cancer-predisposing syndrome. Last evaluated: 2024-12-19. Review status: criteria provided, single submitter. Criteria: Ambry Variant Classification Scheme 2023. Collection method: clinical testing. Allele origin: germline.
Comment: The p.L305V variant (also known as c.913C>G), located in coding exon 9 of the PMS2 gene, results from a C to G substitution at nucleotide position 913. The leucine at codon 305 is replaced by valine, an amino acid with highly similar properties. This amino acid position is well conserved in available vertebrate species. In addition, the in silico prediction for this alteration is inconclusive. Since supporting evidence is limited at this time, the clinical significance of this alteration remains unclear.

Quest Diagnostics Nichols Institute San Juan Capistrano
Classification: Uncertain significance. Last evaluated: 2023-11-30. Review status: criteria provided, single submitter. Criteria: Quest Diagnostics criteria. Collection method: clinical testing. Allele origin: unknown.
Comment: This test has identified one copy of the c.913C>G (p.Leu305Val) variant in the PMS2 gene. In the published literature, this variant has been reported in unaffected individuals in a large-scale breast cancer association study (PMID: 33471991 (2021), see also LOVD). The frequency of this variant in the general population, 0.000023 (3/129106 chromosomes (Genome Aggregation Database)), is uninformative in the assessment of its pathogenicity. ClinVar contains an entry for this variant (URL:, Variation ID: 480299). Analysis of this variant using bioinformatics tools (i.e., MutationTaster and PolyPhen-2) for the prediction of the effect of amino acid changes on protein structure and function yielded predictions that this variant is benign. Please note that these prediction tools are not fully validated, and therefore, should be viewed with caution. Based on the available information, we are unable to determine the clinical significance of this variant.

Baylor Genetics
Classification: Uncertain significance for Lynch syndrome 4. Last evaluated: 2023-10-06. Review status: criteria provided, single submitter. Criteria: ACMG Guidelines, 2015. Collection method: clinical testing. Allele origin: unknown.

Institute for Clinical Genetics, University Hospital TU Dresden, University Hospital TU Dresden
Classification: Uncertain significance. Last evaluated: 2021-11-03. Review status: criteria provided, single submitter. Criteria: ACMG Guidelines, 2015. Collection method: clinical testing. Allele origin: germline.

Sema4
Classification: Uncertain significance for Hereditary cancer-predisposing syndrome. Last evaluated: 2021-05-13. Review status: criteria provided, single submitter. Criteria: Sema4 Curation Guidelines. Collection method: curation. Allele origin: germline.
Comment: The PMS2 c.913C>G (p.L305V) variant has not been reported in the literature to our knowledge. This variant was observed in 3/129106 chromosomes in the Non-Finnish European subpopulation according to the Genome Aggregation Database (PMID: 32461654). This variant has been reported in ClinVar (Variation ID 480299). In silico tools suggest the impact of the variant on protein function is inconclusive, though these predictions have not been confirmed by functional studies. The overall evidence is insufficient to meet ACMG/AMP criteria for classifying it as benign or pathogenic. In summary, the clinical significance of this variant is currently uncertain.

Literature cited by the submitters: PubMed 26689913 (cited by Labcorp Genetics (formerly Invitae), Labcorp); PubMed 33471991 (cited by Quest Diagnostics Nichols Institute San Juan Capistrano).

NM_000535.7(PMS2):c.913C>G (p.Leu305Val)

Gene: PMS2 (PMS1 homolog 2, mismatch repair system component; minus strand). Cytogenetic location: 7p22.1.
Variant type: single nucleotide variant.
Coding change: c.913C>G on transcript NM_000535.7 (MANE Select); coding-DNA position 913, C replaced by G.
Protein change: p.Leu305Val; replaces leucine 305 with valine.
Molecular consequence: missense variant. On other transcripts: 5 prime UTR variant (2), non-coding transcript variant (1).
Genome position (GRCh38, 1-based): chr7:5,992,048, G>C on the plus strand (C>G on the coding strand, the complement: PMS2 is on the minus strand). VCF-style: chr7-5992048-G-C. GRCh37 (hg19) VCF-style: chr7-6031679-G-C.
Other names: c.508C>G, p.Leu170Val (NM_001322003.2, NM_001322004.2, NM_001322005.2 and 2 more transcripts); c.913C>G, p.Leu305Val (NM_001322006.2, NM_001322014.2); c.595C>G, p.Leu199Val (NM_001322007.2, NM_001322008.2); c.-21C>G (NM_001322011.2, NM_001322012.2); c.340C>G, p.Leu114Val (NM_001322013.2); c.604C>G, p.Leu202Val (NM_001322015.2); short protein forms L305V, L114V, L170V, L199V, L202V.
Identifiers: ClinVar variation 480299 (VCV000480299.27), dbSNP rs750420143, ClinGen allele CA052467.